The following is an entry in ClinVar:

NM_005787.6(ALG3):c.668_669del (p.Leu223fs)

Gene: ALG3 (ALG3 alpha-1,3- mannosyltransferase; minus strand). Cytogenetic location: 3q27.1.
Variant type: Deletion.
Coding change: c.668_669del on transcript NM_005787.6 (MANE Select); coding-DNA positions 668 to 669, 2 bases deleted (TC; older notation c.668_669delTC).
Protein change: p.Leu223fs; shifts the reading frame from leucine 223.
Molecular consequence: frameshift variant. On other transcripts: non-coding transcript variant (2).
Genome position (GRCh38, 1-based): chr3:184,244,658-184,244,659, GA deleted on the plus strand (TC on the coding strand, the reverse complement: ALG3 is on the minus strand); deleting any 2 consecutive bases within chr3:184,244,658-184,244,660 gives the same sequence; the c. name uses the placement nearest the transcript's 3' end. VCF-style (leftmost placement, unchanged base first): chr3-184244657-TGA-T. GRCh37 (hg19) VCF-style: chr3-183962445-TGA-T.
Other names: c.524_525del, p.Leu175fs (NM_001006941.2); short protein forms L175fs, L223fs.
Identifiers: ClinVar variation 1695520 (VCV001695520.2), dbSNP rs757912697, ClinGen allele CA2729456.

ClinVar aggregate classification (germline): Likely pathogenic (1 of 4 stars; one submission).

Submission:

GeneDx
Classification: Likely pathogenic. Last evaluated: 2022-07-05. Review status: criteria provided, single submitter. Criteria: GeneDx Variant Classification Process June 2021. Collection method: clinical testing. Allele origin: germline. Affected: yes.
Comment: Frameshift variant predicted to result in protein truncation or nonsense mediated decay in a gene for which loss-of-function is a known mechanism of disease; Not observed at significant frequency in large population cohorts (gnomAD); Has not been previously published as pathogenic or benign to our knowledge